The following is an entry in ClinVar:

NM_015474.4(SAMHD1):c.349G>A (p.Val117Ile)

Gene: SAMHD1 (SAM and HD domain containing deoxynucleoside triphosphate triphosphohydrolase 1; minus strand). Cytogenetic location: 20q11.23.
Variant type: single nucleotide variant.
Coding change: c.349G>A on transcript NM_015474.4 (MANE Select); coding-DNA position 349, G replaced by A.
Protein change: p.Val117Ile; replaces valine 117 with isoleucine.
Molecular consequence: missense variant.
Genome position (GRCh38, 1-based): chr20:36,935,189, C>T on the plus strand (G>A on the coding strand, the complement: SAMHD1 is on the minus strand). VCF-style: chr20-36935189-C-T. GRCh37 (hg19) VCF-style: chr20-35563592-C-T.
Other names: c.349G>A, p.Val117Ile (NM_001363729.2, NM_001363733.2); short protein forms V117I.
Identifiers: ClinVar variation 2199173 (VCV002199173.1), dbSNP rs2063595667, ClinGen allele CA408823461.
Genomic context (GRCh38, chr20:36,935,189, plus strand): 5'-CAATGATTCGGACGAGGAGAGGGTGGAGCTCAATGTGGCCATGGATAGGATCATTAATTA[C>T]CTAGAAAATTATGTTTAATTAATACAAATAACGACATGTAAGTCCAACTGAAATTTGTGT-3'
Protein context (NP_056289.2, residues 107-127): LVQIHVDTMK[Val117Ile]INDPIHGHIE

ClinVar aggregate classification (germline): Uncertain significance (1 of 4 stars; one submission).

Conditions:
Aicardi-Goutieres syndrome 5. Identifiers: Orphanet 51, MedGen C2749659, MONDO:0013059, OMIM 612952.

Allele frequency attached by ClinVar (database versions not stated): gnomAD exomes below 0.00001; TOPMed below 0.00001.
gnomAD v4.1: 1 of 1,611,000 alleles (0.000062%); highest among the groups gnomAD compares: East Asian, 0.0022%; no homozygotes.

Submission:

Labcorp Genetics (formerly Invitae), Labcorp
Classification: Uncertain significance for Aicardi-Goutieres syndrome 5. Last evaluated: 2022-08-10. Review status: criteria provided, single submitter. Criteria: Invitae Variant Classification Sherloc (09022015). Collection method: clinical testing. Allele origin: germline.
Comment: This sequence change replaces valine, which is neutral and non-polar, with isoleucine, which is neutral and non-polar, at codon 117 of the SAMHD1 protein (p.Val117Ile). This variant is not present in population databases (gnomAD no frequency). This variant has not been reported in the literature in individuals affected with SAMHD1-related conditions. Algorithms developed to predict the effect of missense changes on protein structure and function output the following: SIFT: "Tolerated"; PolyPhen-2: "Benign"; Align-GVGD: "Class C0". The isoleucine amino acid residue is found in multiple mammalian species, which suggests that this missense change does not adversely affect protein function. Algorithms developed to predict the effect of sequence changes on RNA splicing suggest that this variant may disrupt the consensus splice site. In summary, the available evidence is currently insufficient to determine the role of this variant in disease. Therefore, it has been classified as a Variant of Uncertain Significance.